The following is an entry in ClinVar:

ClinVar aggregate classification (germline): Uncertain significance. Review status: criteria provided, multiple submitters, no conflicts (2 of 4 stars). 2 submissions from 2 submitters: Uncertain significance (2). Last evaluated 2026-04-22.

Conditions:
Inborn genetic diseases. Identifiers: MedGen C0950123, MeSH D030342.

Allele frequency attached by ClinVar (database versions not stated): ExAC 0.00001; gnomAD exomes 0.00001; TOPMed 0.00001.
gnomAD v4.1: 10 of 1,613,896 alleles (0.00062%); highest among the groups gnomAD compares: Middle Eastern, 0.017%; no homozygotes.

Submissions (2):

Ambry Genetics
Classification: Uncertain significance for Inborn genetic diseases. Last evaluated: 2026-04-22. Review status: criteria provided, single submitter. Criteria: Ambry Variant Classification Scheme 2023. Collection method: clinical testing. Allele origin: germline.
Comment: The c.3589C>T (p.H1197Y) alteration is located in exon 27 (coding exon 25) of the MYH3 gene. This alteration results from a C to T substitution at nucleotide position 3589, causing the histidine (H) at amino acid position 1197 to be replaced by a tyrosine (Y). Based on data from gnomAD, the T allele has an overall frequency of <0.001% (1/251472) total alleles studied. The highest observed frequency was 0.001% (1/113756) of European (non-Finnish) alleles. Based on insufficient or conflicting evidence, the clinical significance of this alteration remains unclear.

Labcorp Genetics (formerly Invitae), Labcorp
Classification: Uncertain significance. Last evaluated: 2025-08-30. Review status: criteria provided, single submitter. Criteria: Invitae Variant Classification Sherloc (09022015). Collection method: clinical testing. Allele origin: germline.
Comment: This sequence change replaces histidine, which is basic and polar, with tyrosine, which is neutral and polar, at codon 1197 of the MYH3 protein (p.His1197Tyr). This variant is present in population databases (rs749917598, gnomAD 0.0009%). This variant has not been reported in the literature in individuals affected with MYH3-related conditions. ClinVar contains an entry for this variant (Variation ID: 1983009). Invitae Evidence Modeling of protein sequence and biophysical properties (such as structural, functional, and spatial information, amino acid conservation, physicochemical variation, residue mobility, and thermodynamic stability) indicates that this missense variant is not expected to disrupt MYH3 protein function with a negative predictive value of 95%. In summary, the available evidence is currently insufficient to determine the role of this variant in disease. Therefore, it has been classified as a Variant of Uncertain Significance.

NM_002470.4(MYH3):c.3589C>T (p.His1197Tyr)

Gene: MYH3 (myosin heavy chain 3; minus strand). Cytogenetic location: 17p13.1.
Variant type: single nucleotide variant.
Coding change: c.3589C>T on transcript NM_002470.4 (MANE Select); coding-DNA position 3589, C replaced by T.
Protein change: p.His1197Tyr; replaces histidine 1197 with tyrosine.
Molecular consequence: missense variant.
Genome position (GRCh38, 1-based): chr17:10,638,183, G>A on the plus strand (C>T on the coding strand, the complement: MYH3 is on the minus strand). VCF-style: chr17-10638183-G-A. GRCh37 (hg19) VCF-style: chr17-10541500-G-A.
Other names: c.3589C>T (NM_002470.3); short protein forms H1197Y.
Identifiers: ClinVar variation 1983009 (VCV001983009.5), dbSNP rs749917598, ClinGen allele CA8392471.